The following is an entry in ClinVar:

ClinVar aggregate classification (germline): Benign. Review status: criteria provided, multiple submitters, no conflicts (2 of 4 stars). 2 submissions from 2 submitters: Benign (2). Last evaluated 2018-01-13.

Conditions:
CBL-related disorder. Also called: NOONAN SYNDROME-LIKE DISORDER WITHOUT JUVENILE MYELOMONOCYTIC LEUKEMIA; CBL MUTATION-ASSOCIATED SYNDROME; CBL SYNDROME. Identifiers: Orphanet 363972, MedGen C3150803, MONDO:0013308, OMIM 613563.

Allele frequency attached by ClinVar (database versions not stated): 1000 Genomes Project 30x 0.00062; 1000 Genomes Project 0.00080; gnomAD 0.00133 and 0.00135; gnomAD exomes 0.00141; TOPMed 0.00172.
gnomAD v4.1: 573 of 397,044 alleles (0.14%); highest among the groups gnomAD compares: Admixed American, 0.3%; 2 homozygotes.

Submissions (2):

Illumina Laboratory Services, Illumina
Classification: Benign for CBL-related disorder. Last evaluated: 2018-01-13. Review status: criteria provided, single submitter. Criteria: ICSL Variant Classification Criteria 13 December 2019. Collection method: clinical testing. Allele origin: germline.
Comment: This variant was observed in the ICSL laboratory as part of a predisposition screen in an ostensibly healthy population. It had not been previously curated by ICSL or reported in the Human Gene Mutation Database (HGMD: prior to June 1st, 2018), and was therefore a candidate for classification through an automated scoring system. Utilizing variant allele frequency, disease prevalence and penetrance estimates, and inheritance mode, an automated score was calculated to assess if this variant is too frequent to cause the disease. Based on the score and internal cut-off values, a variant classified as benign is not then subjected to further curation. The score for this variant resulted in a classification of benign for this disease.

Breakthrough Genomics
Classification: Benign. Review status: criteria provided, single submitter. Criteria: ACMG Guidelines, 2015. Collection method: not provided. Allele origin: germline. Inheritance: Autosomal dominant inheritance. Affected: yes.

NM_005188.4(CBL):c.*6732C>A

Gene: CBL (Cbl proto-oncogene; plus strand). Cytogenetic location: 11q23.3.
Variant type: single nucleotide variant.
Coding change: c.*6732C>A on transcript NM_005188.4 (MANE Select); 6732 bases downstream of the stop codon, C replaced by A.
Molecular consequence: 3 prime UTR variant.
Genome position (GRCh38, 1-based): chr11:119,306,513, C>A. VCF-style: chr11-119306513-C-A. GRCh37 (hg19) VCF-style: chr11-119177223-C-A.
Identifiers: ClinVar variation 302890 (VCV000302890.6), dbSNP rs140028176, ClinGen allele CA10630044.
Genomic context (GRCh38, chr11:119,306,513, plus strand): 5'-GCCAGAGAGGAGTATTGCTCAATGCGTGCTATGTGCAACTCCTCAGGCCTTGTGCCACCT[C>A]CATGCTGAGCCCTGAAGCAGGGTGTCCTGGGTGCCTGTGTGTCAGCTCCCTCCTCTCTAC-3'